The following is an entry in ClinVar:

NM_206933.4(USH2A):c.10657G>A (p.Asp3553Asn)

Gene: USH2A (usherin; minus strand). Cytogenetic location: 1q41.
Variant type: single nucleotide variant.
Coding change: c.10657G>A on transcript NM_206933.4 (MANE Select); coding-DNA position 10657, G replaced by A.
Protein change: p.Asp3553Asn; replaces aspartic acid 3553 with asparagine.
Molecular consequence: missense variant.
Genome position (GRCh38, 1-based): chr1:215,782,125, C>T on the plus strand (G>A on the coding strand, the complement: USH2A is on the minus strand). VCF-style: chr1-215782125-C-T. GRCh37 (hg19) VCF-style: chr1-215955467-C-T.
Other names: short protein forms D3553N.
Identifiers: ClinVar variation 558542 (VCV000558542.16), dbSNP rs910086490, ClinGen allele CA344836727.

ClinVar aggregate classification (germline): Pathogenic/Likely pathogenic. Review status: criteria provided, multiple submitters, no conflicts (2 of 4 stars). 5 submissions from 5 submitters: Pathogenic (1); Likely pathogenic (3). 1 of the submissions does not count toward it. Last evaluated 2025-07-22.

Conditions:
Usher syndrome. Also called: Usher Syndromes; Usher's syndrome. Identifiers: Orphanet 886, MedGen CN469326, MeSH D052245, MONDO:0019501. Disease mechanism: loss of function.
Retinitis pigmentosa 39 (RP39). Identifiers: Orphanet 791, MedGen C3151138, MONDO:0013436, OMIM 613809.
Usher syndrome type 2A. Also called: RETINAL DISEASE IN USHER SYNDROME TYPE IIA, MODIFIER OF; USHER SYNDROME, TYPE IIA. Identifiers: Orphanet 231178, Orphanet 886, MedGen C1848634, MONDO:0010169, OMIM 276901.

gnomAD v4.1: 3 of 1,613,958 alleles (0.00019%); highest among the groups gnomAD compares: Non-Finnish European, 0.00025%; no homozygotes.

Submissions (5):

Women's Health and Genetics/Laboratory Corporation of America, LabCorp
Classification: Likely pathogenic for Usher syndrome. Last evaluated: 2025-07-22. Review status: criteria provided, single submitter. Criteria: LabCorp Variant Classification Summary - May 2015. Collection method: clinical testing. Allele origin: germline.
Comment: Variant summary: USH2A c.10657G>A (p.Asp3553Asn) results in a conservative amino acid change located in the fibronectin type-III domain (IPR003961) of the encoded protein sequence. Algorithms developed to predict the effect of missense changes on protein structure and function are either unavailable or do not agree on the potential impact of this missense change. The variant was absent in 251358 control chromosomes. c.10657G>A has been observed in individuals affected with Usher syndrome and retinitis pigmentosa (e.g., Baux_2014, Hufnagel_2022, Stephenson_2023, internal data). These data indicate that the variant is likely to be associated with disease. To our knowledge, no experimental evidence demonstrating an impact on protein function has been reported. The following publications have been ascertained in the context of this evaluation (PMID: 24944099, 35266249, 37466950). ClinVar contains an entry for this variant (Variation ID: 558542). Based on the evidence outlined above, the variant was classified as likely pathogenic.

Labcorp Genetics (formerly Invitae), Labcorp
Classification: Pathogenic. Last evaluated: 2025-01-15. Review status: criteria provided, single submitter. Criteria: Invitae Variant Classification Sherloc (09022015). Collection method: clinical testing. Allele origin: germline.
Comment: This sequence change replaces aspartic acid, which is acidic and polar, with asparagine, which is neutral and polar, at codon 3553 of the USH2A protein (p.Asp3553Asn). This variant is not present in population databases (gnomAD no frequency). This missense change has been observed in individual(s) with Usher syndrome and/or retinitis pigmentosa (PMID: 24944099; internal data). In at least one individual the data is consistent with being in trans (on the opposite chromosome) from a pathogenic variant. ClinVar contains an entry for this variant (Variation ID: 558542). Invitae Evidence Modeling of protein sequence and biophysical properties (such as structural, functional, and spatial information, amino acid conservation, physicochemical variation, residue mobility, and thermodynamic stability) has been performed for this missense variant. However, the output from this modeling did not meet the statistical confidence thresholds required to predict the impact of this variant on USH2A protein function. For these reasons, this variant has been classified as Pathogenic.

Natera, Inc.
Classification: Likely pathogenic for Usher syndrome type 2A. Last evaluated: 2024-05-06. Review status: criteria provided, single submitter. Criteria: Natera Variant Classification Schema (03/2026). Collection method: clinical testing. Allele origin: germline.
Comment: The c.10657G>A variant in USH2A is a missense variant predicted to cause substitution of aspartic acid to asparagine at amino acid 3553. This variant is rare in the general population with a frequency below the threshold expected for the associated phenotype(s). This variant has been observed in one or more individuals affected with the associated recessive disease, as either homozygous or compound heterozygous with a second variant (PMID: 24944099, 37466950). Computational prediction algorithms indicate this variant is likely to affect gene or protein function. Given the available evidence, this variant is classified as Likely Pathogenic.

Revvity Omics, Revvity
Classification: Likely pathogenic. Last evaluated: 2024-02-01. Review status: criteria provided, single submitter. Criteria: ACMG Guidelines, 2015. Collection method: clinical testing. Allele origin: germline.

Counsyl
Classification: Uncertain significance for Usher syndrome type 2A; Retinitis pigmentosa 39. Last evaluated: 2018-05-29. Review status: flagged submission. Collection method: clinical testing. Allele origin: unknown. Not counted in ClinVar's aggregate classification.
ClinVar note: Reason: Older and outlier claim with insufficient supporting evidence

Literature cited by the submitters: PubMed 24944099 (cited by 4 submitters); PubMed 35266249 (cited by Women's Health and Genetics/Laboratory Corporation of America, LabCorp); PubMed 37466950 (cited by Women's Health and Genetics/Laboratory Corporation of America, LabCorp and Natera, Inc.).